The following is an entry in ClinVar:

NM_002693.3(POLG):c.1811C>T (p.Ala604Val)

Gene: POLG (DNA polymerase gamma, catalytic subunit; minus strand). Cytogenetic location: 15q26.1.
Variant type: single nucleotide variant.
Coding change: c.1811C>T on transcript NM_002693.3 (MANE Select); coding-DNA position 1811, C replaced by T.
Protein change: p.Ala604Val; replaces alanine 604 with valine.
Molecular consequence: missense variant.
Genome position (GRCh38, 1-based): chr15:89,325,588, G>A on the plus strand (C>T on the coding strand, the complement: POLG is on the minus strand). VCF-style: chr15-89325588-G-A. GRCh37 (hg19) VCF-style: chr15-89868819-G-A.
Other names: c.1811C>T, p.Ala604Val (NM_001126131.2); short protein forms A604V.
Identifiers: ClinVar variation 982840 (VCV000982840.7), dbSNP rs1433922299, ClinGen allele CA393759315.

ClinVar aggregate classification (germline): Uncertain significance. Review status: criteria provided, multiple submitters, no conflicts (2 of 4 stars). 3 submissions from 3 submitters: Uncertain significance (3). Last evaluated 2025-12-24.

Conditions:
Sensory ataxic neuropathy, dysarthria, and ophthalmoparesis (SANDO). Also called: SENSORY ATAXIC NEUROPATHY WITH MITOCHONDRIAL DNA DELETIONS, AUTOSOMAL RECESSIVE; Ataxia Neuropathy Spectrum (ANS); Epilepsy, progressive myoclonic, type 5; Sensory ataxic neuropathy-dysarthria-ophthalmoparesis syndrome. Identifiers: Orphanet 70595, MedGen C1843851, MONDO:0011835, OMIM 607459.
Progressive sclerosing poliodystrophy (MTDPS4A). Also called: ALPERS DIFFUSE DEGENERATION OF CEREBRAL GRAY MATTER WITH HEPATIC CIRRHOSIS; Mitochondrial DNA Depletion Syndrome 4A; Alpers-Huttenlocher Syndrome (AHS); NEURONAL DEGENERATION OF CHILDHOOD WITH LIVER DISEASE, PROGRESSIVE; Alpers Syndrome; ALPERS PROGRESSIVE INFANTILE POLIODYSTROPHY. Identifiers: Orphanet 726, MedGen C0205710, MONDO:0008758, OMIM 203700.

Allele frequency attached by ClinVar (database versions not stated): TOPMed 0.00001.

Submissions (3):

Dasa
Classification: Uncertain significance. Last evaluated: 2025-12-24. Review status: criteria provided, single submitter. Criteria: DASA Assertion Criteria. Collection method: clinical testing. Allele origin: germline.
Comment: NM_002693.3(POLG):c.1811C>T (p.Ala604Val) is a missense variant that results in the substitution of alanine with valine. This variant is rare in population databases. The currently available literature and clinical evidence are not sufficient to establish a definitive association between this variant and the reported condition. Therefore, this variant is classified as a variant of uncertain significance.

Labcorp Genetics (formerly Invitae), Labcorp
Classification: Uncertain significance for Progressive sclerosing poliodystrophy. Last evaluated: 2023-03-18. Review status: criteria provided, single submitter. Criteria: Invitae Variant Classification Sherloc (09022015). Collection method: clinical testing. Allele origin: germline.
Comment: Advanced modeling of protein sequence and biophysical properties (such as structural, functional, and spatial information, amino acid conservation, physicochemical variation, residue mobility, and thermodynamic stability) has been performed at Invitae for this missense variant, however the output from this modeling did not meet the statistical confidence thresholds required to predict the impact of this variant on POLG protein function. In summary, the available evidence is currently insufficient to determine the role of this variant in disease. Therefore, it has been classified as a Variant of Uncertain Significance. Algorithms developed to predict the effect of sequence changes on RNA splicing suggest that this variant may create or strengthen a splice site. ClinVar contains an entry for this variant (Variation ID: 982840). This variant has not been reported in the literature in individuals affected with POLG-related conditions. This variant is not present in population databases (gnomAD no frequency). This sequence change replaces alanine, which is neutral and non-polar, with valine, which is neutral and non-polar, at codon 604 of the POLG protein (p.Ala604Val).

Institute of Human Genetics, University of Leipzig Medical Center
Classification: Uncertain significance for Sensory ataxic neuropathy, dysarthria, and ophthalmoparesis. Last evaluated: 2020-08-18. Review status: criteria provided, single submitter. Criteria: ACMG Guidelines, 2015. Collection method: clinical testing. Allele origin: maternal. Inheritance: Autosomal recessive inheritance. Affected: yes.
Comment: Criteria applied: PM2,PM1_SUP,PP3